The following is an entry in ClinVar:

NM_001164665.2(KIAA1549):c.4195A>G (p.Lys1399Glu)

Gene: KIAA1549 (KIAA1549; minus strand). Cytogenetic location: 7q34.
Variant type: single nucleotide variant.
Coding change: c.4195A>G on transcript NM_001164665.2 (MANE Select); coding-DNA position 4195, A replaced by G.
Protein change: p.Lys1399Glu; replaces lysine 1399 with glutamic acid.
Molecular consequence: missense variant.
Genome position (GRCh38, 1-based): chr7:138,881,422, T>C on the plus strand (A>G on the coding strand, the complement: KIAA1549 is on the minus strand). VCF-style: chr7-138881422-T-C. GRCh37 (hg19) VCF-style: chr7-138566168-T-C.
Other names: c.4195A>G, p.Lys1399Glu (NM_020910.3); short protein forms K1399E.
Identifiers: ClinVar variation 934337 (VCV000934337.9), dbSNP rs1321362337, ClinGen allele CA369377044.

ClinVar aggregate classification (germline): Uncertain significance. Review status: criteria provided, multiple submitters, no conflicts (2 of 4 stars). 2 submissions from 2 submitters: Uncertain significance (2). Last evaluated 2025-08-23.

Conditions:
Inborn genetic diseases. Identifiers: MedGen C0950123, MeSH D030342.

Allele frequency attached by ClinVar (database versions not stated): gnomAD exomes 0.00001; gnomAD 0.00002; TOPMed 0.00002.
gnomAD v4.1: 17 of 1,613,838 alleles (0.0011%); highest among the groups gnomAD compares: Non-Finnish European, 0.0014%; no homozygotes.

Submissions (2):

Ambry Genetics
Classification: Uncertain significance for Inborn genetic diseases. Last evaluated: 2025-08-23. Review status: criteria provided, single submitter. Criteria: Ambry Variant Classification Scheme 2023. Collection method: clinical testing. Allele origin: germline.

Labcorp Genetics (formerly Invitae), Labcorp
Classification: Uncertain significance. Last evaluated: 2024-10-29. Review status: criteria provided, single submitter. Criteria: Invitae Variant Classification Sherloc (09022015). Collection method: clinical testing. Allele origin: germline.
Comment: This sequence change replaces lysine, which is basic and polar, with glutamic acid, which is acidic and polar, at codon 1399 of the KIAA1549 protein (p.Lys1399Glu). This variant is not present in population databases (gnomAD no frequency). This variant has not been reported in the literature in individuals affected with KIAA1549-related conditions. ClinVar contains an entry for this variant (Variation ID: 934337). An algorithm developed to predict the effect of missense changes on protein structure and function (PolyPhen-2) suggests that this variant is likely to be disruptive. In summary, the available evidence is currently insufficient to determine the role of this variant in disease. Therefore, it has been classified as a Variant of Uncertain Significance.